The following is an entry in ClinVar:

ClinVar aggregate classification (germline): Likely benign (1 of 4 stars; one submission).

Conditions:
ASIC5-related disorder. Also called: ASIC5-related condition.

gnomAD v4.1: 82 of 1,613,368 alleles (0.0051%); highest among the groups gnomAD compares: African/African-American, 0.099%; no homozygotes.

Submission:

PreventionGenetics, part of Exact Sciences
Classification: Likely benign for ASIC5-related condition. Last evaluated: 2025-07-01. Review status: criteria provided, single submitter. Criteria: ACMG Guidelines, 2015. Collection method: clinical testing. Allele origin: germline.
Comment: This variant is classified as likely benign based on ACMG/AMP sequence variant interpretation guidelines (Richards et al. 2015 PMID: 25741868, with internal and published modifications).

NM_017419.3(ASIC5):c.426A>G (p.Gln142=)

Gene: ASIC5 (acid sensing ion channel subunit family member 5; minus strand). Cytogenetic location: 4q32.1.
Variant type: single nucleotide variant.
Coding change: c.426A>G on transcript NM_017419.3 (MANE Select); coding-DNA position 426, A replaced by G.
Protein change: p.Gln142=; no amino-acid change (glutamine 142 retained).
Molecular consequence: synonymous variant.
Genome position (GRCh38, 1-based): chr4:155,854,236, T>C on the plus strand (A>G on the coding strand, the complement: ASIC5 is on the minus strand). VCF-style: chr4-155854236-T-C. GRCh37 (hg19) VCF-style: chr4-156775388-T-C.
Identifiers: ClinVar variation 4989470 (VCV004989470.1).